The following is an entry in ClinVar:

NM_016343.4(CENPF):c.5150C>A (p.Pro1717His)

Gene: CENPF (centromere protein F; plus strand). Cytogenetic location: 1q41.
Variant type: single nucleotide variant.
Coding change: c.5150C>A on transcript NM_016343.4 (MANE Select); coding-DNA position 5150, C replaced by A.
Protein change: p.Pro1717His; replaces proline 1717 with histidine.
Molecular consequence: missense variant.
Genome position (GRCh38, 1-based): chr1:214,644,720, C>A. VCF-style: chr1-214644720-C-A. GRCh37 (hg19) VCF-style: chr1-214818063-C-A.
Other names: short protein forms P1717H.
Identifiers: ClinVar variation 595948 (VCV000595948.9), dbSNP rs774422780, ClinGen allele CA1390741.

ClinVar aggregate classification (germline): Uncertain significance. Review status: criteria provided, multiple submitters, no conflicts (2 of 4 stars). 2 submissions from 2 submitters: Uncertain significance (2). Last evaluated 2025-10-02.

Allele frequency attached by ClinVar (database versions not stated): ExAC 0.00001; gnomAD exomes 0.00001 and 0.00002; TOPMed 0.00003; gnomAD 0.00005.
gnomAD v4.1: 43 of 1,613,762 alleles (0.0027%); highest among the groups gnomAD compares: Non-Finnish European, 0.0033%; no homozygotes.

Submissions (2):

Labcorp Genetics (formerly Invitae), Labcorp
Classification: Uncertain significance. Last evaluated: 2025-10-02. Review status: criteria provided, single submitter. Criteria: Invitae Variant Classification Sherloc (09022015). Collection method: clinical testing. Allele origin: germline.
Comment: This sequence change replaces proline, which is neutral and non-polar, with histidine, which is basic and polar, at codon 1717 of the CENPF protein (p.Pro1717His). The frequency data for this variant in the population databases is considered unreliable, as metrics indicate poor data quality at this position in the gnomAD database. This variant has not been reported in the literature in individuals affected with CENPF-related conditions. ClinVar contains an entry for this variant (Variation ID: 595948). An algorithm developed to predict the effect of missense changes on protein structure and function outputs the following: PolyPhen-2: "Benign". The histidine amino acid residue is found in multiple mammalian species, which suggests that this missense change does not adversely affect protein function. In summary, the available evidence is currently insufficient to determine the role of this variant in disease. Therefore, it has been classified as a Variant of Uncertain Significance.

Eurofins Ntd Llc (ga)
Classification: Uncertain significance. Last evaluated: 2018-01-29. Review status: criteria provided, single submitter. Criteria: EGL Classification Definitions 2015. Collection method: clinical testing. Allele origin: germline. Observed: 1 variant allele, 1 heterozygote.